The following is an entry in ClinVar:

NM_003701.4(TNFSF11):c.239C>T (p.Ser80Leu)

Genes: TNFSF11 (TNF superfamily member 11; plus strand), LOC126861752 (BRD4-independent group 4 enhancer GRCh37_chr13:43155073-43156272; plus strand). Cytogenetic location: 13q14.11.
Variant type: single nucleotide variant.
Coding change: c.239C>T on transcript NM_003701.4 (MANE Select); coding-DNA position 239, C replaced by T.
Protein change: p.Ser80Leu; replaces serine 80 with leucine.
Molecular consequence: missense variant.
Genome position (GRCh38, 1-based): chr13:42,581,145, C>T. VCF-style: chr13-42581145-C-T. GRCh37 (hg19) VCF-style: chr13-43155281-C-T.
Other names: c.20C>T, p.Ser7Leu (NM_033012.4); short protein forms S7L, S80L.
Identifiers: ClinVar variation 312231 (VCV000312231.21), dbSNP rs138974661, ClinGen allele CA6967167.

ClinVar aggregate classification (germline): Benign/Likely benign. Review status: criteria provided, multiple submitters, no conflicts (2 of 4 stars). 5 submissions from 5 submitters: Benign (4); Likely benign (1). Last evaluated 2026-01-31.

Conditions:
Autosomal recessive osteopetrosis 2. Also called: OSTEOPETROSIS, MILD AUTOSOMAL RECESSIVE FORM. Identifiers: Orphanet 667, MedGen C1850126, MONDO:0009816, OMIM 259710.
Disorder of bone. Also called: Bone disorder; Rare bone disease related to a common gene or pathway defect; Bone disease. Identifiers: Orphanet 364803, MedGen C0005940, MONDO:0005381.

Allele frequency attached by ClinVar (database versions not stated): gnomAD exomes 0.00148; ExAC 0.00196; 1000 Genomes Project 30x 0.00484; 1000 Genomes Project 0.00539; gnomAD 0.00646 and 0.00709; TOPMed 0.00779; ESP Exome Variant Server 0.00846.
gnomAD v4.1: 1,873 of 1,614,050 alleles (0.12%); highest among the groups gnomAD compares: African/African-American, 2.2%; 22 homozygotes.

Submissions (5):

Labcorp Genetics (formerly Invitae), Labcorp
Classification: Benign. Last evaluated: 2026-01-31. Review status: criteria provided, single submitter. Criteria: Invitae Variant Classification Sherloc (09022015). Collection method: clinical testing. Allele origin: germline.

Fulgent Genetics
Classification: Likely benign for Autosomal recessive osteopetrosis 2. Last evaluated: 2021-09-16. Review status: criteria provided, single submitter. Criteria: ACMG Guidelines, 2015. Collection method: clinical testing. Allele origin: unknown.

Genome Diagnostics Laboratory, The Hospital for Sick Children
Classification: Benign for Disorder of bone. Last evaluated: 2021-01-13. Review status: criteria provided, single submitter. Criteria: ACMG Guidelines, 2015. Collection method: clinical testing. Allele origin: germline. Affected: yes.
Comment: This missense variant is classified as Benign (ACMG criteria - BS1, BS2, BP6)

Illumina Laboratory Services, Illumina
Classification: Benign for Autosomal recessive osteopetrosis 2. Last evaluated: 2018-01-13. Review status: criteria provided, single submitter. Criteria: ICSL Variant Classification Criteria 13 December 2019. Collection method: clinical testing. Allele origin: germline.
Comment: This variant was observed in the ICSL laboratory as part of a predisposition screen in an ostensibly healthy population. It had not been previously curated by ICSL or reported in the Human Gene Mutation Database (HGMD: prior to June 1st, 2018), and was therefore a candidate for classification through an automated scoring system. Utilizing variant allele frequency, disease prevalence and penetrance estimates, and inheritance mode, an automated score was calculated to assess if this variant is too frequent to cause the disease. Based on the score and internal cut-off values, a variant classified as benign is not then subjected to further curation. The score for this variant resulted in a classification of benign for this disease.

Breakthrough Genomics
Classification: Benign. Review status: criteria provided, single submitter. Criteria: ACMG Guidelines, 2015. Collection method: not provided. Allele origin: germline. Inheritance: Autosomal recessive inheritance. Affected: yes.